The following is an entry in ClinVar:

NM_001267550.2(TTN):c.74766G>C (p.Arg24922Ser)

Genes: TTN (titin; minus strand), TTN-AS1 (TTN antisense RNA 1; plus strand). Cytogenetic location: 2q31.2.
Variant type: single nucleotide variant.
Coding change: c.74766G>C on transcript NM_001267550.2 (MANE Select); coding-DNA position 74766, G replaced by C.
Protein change: p.Arg24922Ser; replaces arginine 24922 with serine.
Molecular consequence: missense variant. On other transcripts: non-coding transcript variant (1).
Genome position (GRCh38, 1-based): chr2:178,571,366, C>G on the plus strand (G>C on the coding strand, the complement: TTN is on the minus strand). VCF-style: chr2-178571366-C-G. GRCh37 (hg19) VCF-style: chr2-179436093-C-G.
Other names: c.69843G>C, p.Arg23281Ser (NM_001256850.1); c.47571G>C, p.Arg15857Ser (NM_003319.4); c.67062G>C, p.Arg22354Ser (NM_133378.4); c.47946G>C, p.Arg15982Ser (NM_133432.3); c.48147G>C, p.Arg16049Ser (NM_133437.4); short protein forms R23281S, R24922S, R15982S, R15857S, R16049S, R22354S.
Identifiers: ClinVar variation 514486 (VCV000514486.30), dbSNP rs372814940, ClinGen allele CA1990149.

ClinVar aggregate classification (germline): Conflicting classifications of pathogenicity. Review status: criteria provided, conflicting classifications (1 of 4 stars). 5 submissions from 5 submitters: Uncertain significance (2); Likely benign (3). Last evaluated 2024-02-12.

Conditions:
Cardiovascular phenotype. Identifiers: MedGen CN230736.

Allele frequency attached by ClinVar (database versions not stated): gnomAD 0.00001; ExAC 0.00003; gnomAD exomes 0.00003; ESP Exome Variant Server 0.00008.
gnomAD v4.1: 60 of 1,613,196 alleles (0.0037%); highest among the groups gnomAD compares: Non-Finnish European, 0.0047%; no homozygotes.

Submissions (5):

Revvity Omics, Revvity
Classification: Uncertain significance. Last evaluated: 2024-02-12. Review status: criteria provided, single submitter. Criteria: ACMG Guidelines, 2015. Collection method: clinical testing. Allele origin: germline.

CeGaT Center for Human Genetics Tuebingen
Classification: Likely benign. Last evaluated: 2022-10-01. Review status: criteria provided, single submitter. Criteria: CeGaT Center For Human Genetics Tuebingen Variant Classification Criteria Version 2. Collection method: clinical testing. Allele origin: germline. Affected: yes. Observed: 1 variant allele.
Comment: TTN: BP4

Blueprint Genetics
Classification: Likely benign. Last evaluated: 2022-08-25. Review status: criteria provided, single submitter. Criteria: ACMG Guidelines, 2015. Collection method: clinical testing. Allele origin: germline.

Ambry Genetics
Classification: Uncertain significance for Cardiovascular phenotype. Last evaluated: 2020-01-28. Review status: criteria provided, single submitter. Criteria: Ambry Variant Classification Scheme 2023. Collection method: clinical testing. Allele origin: germline.
Comment: The p.R15857S variant (also known as c.47571G>C), located in coding exon 153 of the TTN gene, results from a G to C substitution at nucleotide position 47571. The arginine at codon 15857 is replaced by serine, an amino acid with dissimilar properties. This amino acid position is poorly conserved in available vertebrate species. In addition, this alteration is predicted to be tolerated by in silico analysis. Since supporting evidence is limited at this time, the clinical significance of this alteration remains unclear.

GeneDx
Classification: Likely benign. Last evaluated: 2019-04-15. Review status: criteria provided, single submitter. Criteria: GeneDx Variant Classification Process June 2021. Collection method: clinical testing. Allele origin: germline. Affected: yes.